The following is an entry in ClinVar:

ClinVar aggregate classification (germline): Uncertain significance. Review status: criteria provided, multiple submitters, no conflicts (2 of 4 stars). 3 submissions from 3 submitters: Uncertain significance (3). Last evaluated 2025-08-04.

Conditions:
Dilated cardiomyopathy 1D. Identifiers: Orphanet 154, Orphanet 54260, MedGen C1832243, MONDO:0011095, OMIM 601494.
Hypertrophic cardiomyopathy 2. Also called: TNNT2-Related Familial Hypertrophic Cardiomyopathy. Identifiers: MedGen C1861864, MONDO:0007266, OMIM 115195.
Cardiomyopathy, familial restrictive, 3. Identifiers: Orphanet 75249, MedGen C2676271, MONDO:0012900, OMIM 612422.
Cardiomyopathy (CMYO). Also called: Cardiomyopathies. Identifiers: Orphanet 167848, MedGen C0878544, MONDO:0004994, HP:0001638. Inheritance: Various modes of inheritance.

Submissions (3):

Color Diagnostics, LLC DBA Color Health
Classification: Uncertain significance for Cardiomyopathy. Last evaluated: 2025-08-04. Review status: criteria provided, single submitter. Criteria: ACMG Guidelines, 2015. Collection method: clinical testing. Allele origin: germline.
Comment: This missense variant replaces glutamic acid with lysine at codon 161 of the TNNT2 protein. Computational prediction suggests that this variant may have deleterious impact on protein structure and function. To our knowledge, functional studies have not been reported for this variant. This variant has not been reported in individuals affected with TNNT2-related disorders in the literature. This variant has not been identified in the general population by the Genome Aggregation Database (gnomAD). The available evidence is insufficient to determine the role of this variant in disease conclusively. Therefore, this variant is classified as a Variant of Uncertain Significance.

GeneDx
Classification: Uncertain significance. Last evaluated: 2025-08-01. Review status: criteria provided, single submitter. Criteria: GeneDx Variant Classification Process June 2021. Collection method: clinical testing. Allele origin: germline. Affected: yes.
Comment: Not observed at significant frequency in large population cohorts (gnomAD); In silico analysis supports that this missense variant has a deleterious effect on protein structure/function; Has not been previously published as pathogenic or benign to our knowledge

Labcorp Genetics (formerly Invitae), Labcorp
Classification: Uncertain significance for Cardiomyopathy, familial restrictive, 3; Hypertrophic cardiomyopathy 2; Dilated cardiomyopathy 1D. Last evaluated: 2024-09-11. Review status: criteria provided, single submitter. Criteria: Invitae Variant Classification Sherloc (09022015). Collection method: clinical testing. Allele origin: germline.
Comment: This sequence change replaces glutamic acid, which is acidic and polar, with lysine, which is basic and polar, at codon 161 of the TNNT2 protein (p.Glu161Lys). This variant is not present in population databases (gnomAD no frequency). This variant has not been reported in the literature in individuals affected with TNNT2-related conditions. ClinVar contains an entry for this variant (Variation ID: 928421). Invitae Evidence Modeling of protein sequence and biophysical properties (such as structural, functional, and spatial information, amino acid conservation, physicochemical variation, residue mobility, and thermodynamic stability) indicates that this missense variant is expected to disrupt TNNT2 protein function with a positive predictive value of 95%. In summary, the available evidence is currently insufficient to determine the role of this variant in disease. Therefore, it has been classified as a Variant of Uncertain Significance.

NM_001276345.2(TNNT2):c.511G>A (p.Glu171Lys)

Gene: TNNT2 (troponin T2, cardiac type; minus strand). Cytogenetic location: 1q32.1.
Variant type: single nucleotide variant.
Coding change: c.511G>A on transcript NM_001276345.2 (MANE Select); coding-DNA position 511, G replaced by A.
Protein change: p.Glu171Lys; replaces glutamic acid 171 with lysine.
Molecular consequence: missense variant.
Genome position (GRCh38, 1-based): chr1:201,363,385, C>T on the plus strand (G>A on the coding strand, the complement: TNNT2 is on the minus strand). VCF-style: chr1-201363385-C-T. GRCh37 (hg19) VCF-style: chr1-201332513-C-T.
Other names: c.511G>A, p.Glu171Lys (NM_000364.4); c.481G>A, p.Glu161Lys (NM_001001430.3, NM_001001431.3, NM_001276347.2); c.466G>A, p.Glu156Lys (NM_001001432.3); c.391G>A, p.Glu131Lys (NM_001276346.2); short protein forms E131K, E171K, E156K, E161K.
Identifiers: ClinVar variation 928421 (VCV000928421.7), dbSNP rs1659064618, ClinGen allele CA077284.